The following is an entry in ClinVar:

ClinVar aggregate classification (germline): Uncertain significance (1 of 4 stars; one submission).

Submission:

GeneDx
Classification: Uncertain significance. Last evaluated: 2021-04-08. Review status: criteria provided, single submitter. Criteria: GeneDx Variant Classification Process June 2021. Collection method: clinical testing. Allele origin: germline. Affected: yes.
Comment: Not observed in large population cohorts (Lek et al., 2016); In silico analysis supports that this missense variant has a deleterious effect on protein structure/function; Has not been previously published as pathogenic or benign to our knowledge

NM_006079.5(CITED2):c.671A>G (p.Asp224Gly)

Gene: CITED2 (Cbp/p300 interacting transactivator with Glu/Asp rich carboxy-terminal domain 2; minus strand). Cytogenetic location: 6q24.1.
Variant type: single nucleotide variant.
Coding change: c.671A>G on transcript NM_006079.5 (MANE Select); coding-DNA position 671, A replaced by G.
Protein change: p.Asp224Gly; replaces aspartic acid 224 with glycine.
Molecular consequence: missense variant.
Genome position (GRCh38, 1-based): chr6:139,373,274, T>C on the plus strand (A>G on the coding strand, the complement: CITED2 is on the minus strand). VCF-style: chr6-139373274-T-C. GRCh37 (hg19) VCF-style: chr6-139694411-T-C.
Other names: c.671A>G, p.Asp224Gly (NM_001168388.3); c.686A>G, p.Asp229Gly (NM_001168389.3); short protein forms D224G, D229G.
Identifiers: ClinVar variation 1314370 (VCV001314370.2), dbSNP rs2114776906, ClinGen allele CA365876493.